The following is an entry in ClinVar:

NM_001277115.2(DNAH11):c.6078C>G (p.Ile2026Met)

Gene: DNAH11 (dynein axonemal heavy chain 11; plus strand). Cytogenetic location: 7p15.3.
Variant type: single nucleotide variant.
Coding change: c.6078C>G on transcript NM_001277115.2 (MANE Select); coding-DNA position 6078, C replaced by G.
Protein change: p.Ile2026Met; replaces isoleucine 2026 with methionine.
Molecular consequence: missense variant.
Genome position (GRCh38, 1-based): chr7:21,698,111, C>G. VCF-style: chr7-21698111-C-G. GRCh37 (hg19) VCF-style: chr7-21737729-C-G.
Other names: c.6099C>G, p.Ile2033Met (NM_003777.3); short protein forms I2033M, I2026M.
Identifiers: ClinVar variation 1751420 (VCV001751420.13), dbSNP rs769000578, ClinGen allele CA4180682.

ClinVar aggregate classification (germline): Conflicting classifications of pathogenicity. Review status: criteria provided, conflicting classifications (1 of 4 stars). 3 submissions from 3 submitters: Uncertain significance (2); Likely benign (1). Last evaluated 2025-11-01.

Conditions:
Primary ciliary dyskinesia. Also called: Ciliary dyskinesia. Identifiers: Orphanet 244, MedGen C0008780, MONDO:0016575, HP:0012265.

Allele frequency attached by ClinVar (database versions not stated): ExAC 0.00001.
gnomAD v4.1: 4 of 1,613,454 alleles (0.00025%); highest among the groups gnomAD compares: Admixed American, 0.0017%; no homozygotes.

Submissions (3):

CeGaT Center for Human Genetics Tuebingen
Classification: Uncertain significance. Last evaluated: 2025-11-01. Review status: criteria provided, single submitter. Criteria: CeGaT Center For Human Genetics Tuebingen Variant Classification Criteria Version 2. Collection method: clinical testing. Allele origin: germline. Affected: yes. Observed: 1 variant allele.
Comment: DNAH11: PM2, PM1:Supporting

Labcorp Genetics (formerly Invitae), Labcorp
Classification: Likely benign for Primary ciliary dyskinesia. Last evaluated: 2024-11-18. Review status: criteria provided, single submitter. Criteria: Invitae Variant Classification Sherloc (09022015). Collection method: clinical testing. Allele origin: germline.

Ambry Genetics
Classification: Uncertain significance for Primary ciliary dyskinesia. Last evaluated: 2022-10-02. Review status: criteria provided, single submitter. Criteria: Ambry Variant Classification Scheme 2023. Collection method: clinical testing. Allele origin: germline.
Comment: The p.I2026M variant (also known as c.6078C>G), located in coding exon 36 of the DNAH11 gene, results from a C to G substitution at nucleotide position 6078. The isoleucine at codon 2026 is replaced by methionine, an amino acid with highly similar properties. This amino acid position is conserved. In addition, this alteration is predicted to be tolerated by in silico analysis. Since supporting evidence is limited at this time, the clinical significance of this alteration remains unclear.